The following is an entry in ClinVar:

NC_000014.8:g.(?_95577644)_(95599795_?)dup

Gene: DICER1 (dicer 1, ribonuclease III; minus strand). Cytogenetic location: 14q32.13.
Variant type: Duplication.
Identifiers: ClinVar variation 1443122 (VCV001443122.4).

ClinVar aggregate classification (germline): Uncertain significance (1 of 4 stars; one submission).

Conditions:
DICER1-related tumor predisposition. Also called: DICER1 syndrome; DICER1-related pleuropulmonary blastoma cancer predisposition syndrome. Identifiers: Orphanet 284343, MedGen C3839822, MONDO:0100216.

Submission:

Labcorp Genetics (formerly Invitae), Labcorp
Classification: Uncertain significance for DICER1-related tumor predisposition. Last evaluated: 2021-04-03. Review status: criteria provided, single submitter. Criteria: Invitae Variant Classification Sherloc (09022015). Collection method: clinical testing. Allele origin: germline.
Comment: This variant results in a copy number gain of the genomic region encompassing exons 2-14 of the DICER1 gene. The 5' end of this event is unknown as it extends beyond the assayed region for this gene and therefore may encompass additional genes. The 3' boundary is likely confined to intron 14 of the DICER1 gene. As the precise location of this event is unknown, it may be in tandem or it may be located elsewhere in the genome. This variant¬†has not been reported in the literature in individuals with DICER1-related disease. In summary, the available evidence is currently insufficient to determine the role of this variant in disease. Therefore, it has been classified as a Variant of Uncertain Significance.